The following is an entry in ClinVar:

NM_013245.3(VPS4A):c.117C>A (p.Phe39Leu)

Genes: VPS4A (vacuolar protein sorting 4 homolog A; plus strand), LOC126862382 (CDK7 strongly-dependent group 2 enhancer GRCh37_chr16:69349279-69350478; plus strand). Cytogenetic location: 16q22.1.
Variant type: single nucleotide variant.
Coding change: c.117C>A on transcript NM_013245.3 (MANE Select); coding-DNA position 117, C replaced by A.
Protein change: p.Phe39Leu; replaces phenylalanine 39 with leucine.
Molecular consequence: missense variant.
Genome position (GRCh38, 1-based): chr16:69,316,103, C>A. VCF-style: chr16-69316103-C-A. GRCh37 (hg19) VCF-style: chr16-69350006-C-A.
Other names: short protein forms F39L.
Identifiers: ClinVar variation 3361620 (VCV003361620.1).
Genomic context (GRCh38, chr16:69,316,103, plus strand): 5'-GGACAAAGCCAAGAACTACGAGGAGGCGCTGCGGCTGTACCAGCATGCGGTGGAGTACTT[C>A]CTCCACGCTATCAAGTGTGAGTCACACGAGGGGTCCTCAGGCTGCCGCACTCCAGAGGGG-3'
Protein context (NP_037377.1, residues 29-49): LRLYQHAVEY[Phe39Leu]LHAIKYEAHS

ClinVar aggregate classification (germline): Uncertain significance (1 of 4 stars; one submission).

Submission:

GeneDx
Classification: Uncertain significance. Last evaluated: 2023-07-31. Review status: criteria provided, single submitter. Criteria: GeneDx Variant Classification Process June 2021. Collection method: clinical testing. Allele origin: germline. Affected: yes.
Comment: Not observed at significant frequency in large population cohorts (gnomAD); In silico analysis supports that this missense variant has a deleterious effect on protein structure/function; Has not been previously published as pathogenic or benign to our knowledge